The following is an entry in ClinVar:

NM_001005373.4(LRSAM1):c.1807A>G (p.Met603Val)

Gene: LRSAM1 (leucine rich repeat and sterile alpha motif containing 1; plus strand). Cytogenetic location: 9q33.3.
Variant type: single nucleotide variant.
Coding change: c.1807A>G on transcript NM_001005373.4 (MANE Select); coding-DNA position 1807, A replaced by G.
Protein change: p.Met603Val; replaces methionine 603 with valine.
Molecular consequence: missense variant. On other transcripts: non-coding transcript variant (2).
Genome position (GRCh38, 1-based): chr9:127,496,072, A>G. VCF-style: chr9-127496072-A-G. GRCh37 (hg19) VCF-style: chr9-130258351-A-G.
Other names: c.1807A>G, p.Met603Val (NM_001005374.4, NM_001384142.1, NM_138361.5); c.1726A>G, p.Met576Val (NM_001190723.3); c.1708A>G, p.Met570Val (NM_001384143.1); c.1018A>G, p.Met340Val (NM_001384144.1); short protein forms M340V, M570V, M576V, M603V.
Identifiers: ClinVar variation 2429582 (VCV002429582.1), dbSNP rs2539446316, ClinGen allele CA374936022.
Genomic context (GRCh38, chr9:127,496,072, plus strand): 5'-GCTGAGCACTACCTGCCCATCTTTGCGCACCACCGCCTCTCACTGGACCTGCTGAGCCAA[A>G]TGAGCCCAGGGGACCTGGCCAAGGTGGGCAGCAGCCGTCTGCATGGAGGGGAGGGGCACG-3'
Protein context (NP_001005373.1, residues 593-613): HRLSLDLLSQ[Met603Val]SPGDLAKVGV

ClinVar aggregate classification (germline): Uncertain significance (1 of 4 stars; one submission).

Submission:

GeneDx
Classification: Uncertain significance. Last evaluated: 2022-08-09. Review status: criteria provided, single submitter. Criteria: GeneDx Variant Classification Process June 2021. Collection method: clinical testing. Allele origin: germline. Affected: yes.
Comment: Not observed at significant frequency in large population cohorts (gnomAD); In silico analysis supports a deleterious effect on splicing; In silico analysis supports that this missense variant does not alter protein structure/function; Has not been previously published as pathogenic or benign to our knowledge; This variant is associated with the following publications: (PMID: 22781092)